The following is an entry in ClinVar:

ClinVar aggregate classification (germline): Likely benign. Review status: criteria provided, multiple submitters, no conflicts (2 of 4 stars). 2 submissions from 2 submitters: Likely benign (2). Last evaluated 2024-03-17.

Allele frequency attached by ClinVar (database versions not stated): gnomAD 0.00001; gnomAD exomes 0.00001 and 0.00002; ExAC 0.00002; TOPMed 0.00005; 1000 Genomes Project 0.00020; 1000 Genomes Project 30x 0.00031.
gnomAD v4.1: 10 of 1,613,976 alleles (0.00062%); highest among the groups gnomAD compares: East Asian, 0.0045%; no homozygotes.

Submissions (2):

Labcorp Genetics (formerly Invitae), Labcorp
Classification: Likely benign. Last evaluated: 2024-03-17. Review status: criteria provided, single submitter. Criteria: Invitae Variant Classification Sherloc (09022015). Collection method: clinical testing. Allele origin: germline.

GeneDx
Classification: Likely benign. Last evaluated: 2016-09-12. Review status: criteria provided, single submitter. Criteria: GeneDx Variant Classification (06012015). Collection method: clinical testing. Allele origin: germline. Affected: yes.
Comment: This variant is considered likely benign or benign based on one or more of the following criteria: it is a conservative change, it occurs at a poorly conserved position in the protein, it is predicted to be benign by multiple in silico algorithms, and/or has population frequency not consistent with disease.

NM_001079866.2(BCS1L):c.999C>T (p.His333=)

Gene: BCS1L (BCS1 ubiquinol-cytochrome c reductase complex chaperone; plus strand). Cytogenetic location: 2q35.
Variant type: single nucleotide variant.
Coding change: c.999C>T on transcript NM_001079866.2 (MANE Select); coding-DNA position 999, C replaced by T.
Protein change: p.His333=; no amino-acid change (histidine 333 retained).
Molecular consequence: synonymous variant. On other transcripts: non-coding transcript variant (1).
Genome position (GRCh38, 1-based): chr2:218,662,992, C>T. VCF-style: chr2-218662992-C-T. GRCh37 (hg19) VCF-style: chr2-219527715-C-T.
Other names: c.999C>T, p.His333= (NM_001257342.2, NM_001257343.2, NM_001257344.2 and 10 more transcripts); c.639C>T, p.His213= (NM_001318836.2, NM_001371451.1); c.498C>T, p.His166= (NM_001371452.1, NM_001371453.1, NM_001371454.1 and 3 more transcripts).
Identifiers: ClinVar variation 383490 (VCV000383490.12), dbSNP rs200593699, ClinGen allele CA2109809.